The following is an entry in ClinVar:

ClinVar aggregate classification (germline): Uncertain significance (1 of 4 stars; one submission).

Allele frequency attached by ClinVar (database versions not stated): gnomAD exomes below 0.00001; TOPMed below 0.00001; gnomAD 0.00001.
gnomAD v4.1: 7 of 1,614,008 alleles (0.00043%); highest among the groups gnomAD compares: African/African-American, 0.0027%; no homozygotes.

Submission:

Labcorp Genetics (formerly Invitae), Labcorp
Classification: Uncertain significance. Last evaluated: 2021-11-22. Review status: criteria provided, single submitter. Criteria: Invitae Variant Classification Sherloc (09022015). Collection method: clinical testing. Allele origin: germline.
Comment: Algorithms developed to predict the effect of sequence changes on RNA splicing suggest that this variant may create or strengthen a splice site. In summary, the available evidence is currently insufficient to determine the role of this variant in disease. Therefore, it has been classified as a Variant of Uncertain Significance. This variant has not been reported in the literature in individuals affected with DNASE2-related conditions. This sequence change creates a premature translational stop signal (p.Trp271*) in the DNASE2 gene. While this is not anticipated to result in nonsense mediated decay, it is expected to disrupt the last 90 amino acid(s) of the DNASE2 protein. This variant is present in population databases (no rsID available, gnomAD 0.008%).

NM_001375.3(DNASE2):c.812G>A (p.Trp271Ter)

Gene: DNASE2 (deoxyribonuclease 2, lysosomal; minus strand). Cytogenetic location: 19p13.13.
Variant type: single nucleotide variant.
Coding change: c.812G>A on transcript NM_001375.3 (MANE Select); coding-DNA position 812, G replaced by A.
Protein change: p.Trp271Ter; replaces tryptophan 271 with a stop codon.
Molecular consequence: nonsense.
Genome position (GRCh38, 1-based): chr19:12,876,261, C>T on the plus strand (G>A on the coding strand, the complement: DNASE2 is on the minus strand). VCF-style: chr19-12876261-C-T. GRCh37 (hg19) VCF-style: chr19-12987075-C-T.
Other names: short protein forms W271*.
Identifiers: ClinVar variation 1518603 (VCV001518603.6), dbSNP rs1307952010, ClinGen allele CA404297037.